The following is an entry in ClinVar:

ClinVar aggregate classification (germline): Uncertain significance (1 of 4 stars; one submission).

Conditions:
Developmental and epileptic encephalopathy, 45 (DEE45). Also called: Epileptic encephalopathy, early infantile, 45. Identifiers: MedGen C4310691, MONDO:0014942, OMIM 617153.

Submission:

3billion
Classification: Uncertain significance for Developmental and epileptic encephalopathy, 45. Last evaluated: 2025-12-04. Review status: criteria provided, single submitter. Criteria: ACMG Guidelines, 2015. Collection method: clinical testing. Allele origin: germline. Affected: yes.
Comment: The variant is not observed in the gnomAD v4.1.0 dataset. Predicted Consequence/Location: Missense variant. Missense changes are a common disease-causing mechanism. In silico tool predictions suggest damaging effect of the variant on gene or gene product [REVEL: 0.86 (>=0.6, sensitivity 0.68 and specificity 0.92); 3Cnet: 0.99 (> 0.75, sensitivity 0.96 and precision 0.92)]. Therefore, this variant is classified as VUS according to the recommendation of ACMG/AMP guideline.

NM_000812.4(GABRB1):c.749C>T (p.Thr250Ile)

Gene: GABRB1 (gamma-aminobutyric acid type A receptor subunit beta1; plus strand). Cytogenetic location: 4p12.
Variant type: single nucleotide variant.
Coding change: c.749C>T on transcript NM_000812.4 (MANE Select); coding-DNA position 749, C replaced by T.
Protein change: p.Thr250Ile; replaces threonine 250 with isoleucine.
Molecular consequence: missense variant.
Genome position (GRCh38, 1-based): chr4:47,403,625, C>T. VCF-style: chr4-47403625-C-T. GRCh37 (hg19) VCF-style: chr4-47405642-C-T.
Other names: short protein forms T250I.
Identifiers: ClinVar variation 4855674 (VCV004855674.1).